The following is an entry in ClinVar:

ClinVar aggregate classification (germline): Uncertain significance. Review status: criteria provided, multiple submitters, no conflicts (2 of 4 stars). 5 submissions from 5 submitters: Uncertain significance (5). Last evaluated 2026-01-04.

Conditions:
Cardiovascular phenotype. Identifiers: MedGen CN230736.
Noonan syndrome 9 (NS9). Identifiers: Orphanet 648, MedGen C4225282, MONDO:0014691, OMIM 616559.

Allele frequency attached by ClinVar (database versions not stated): gnomAD 0.00002; TOPMed 0.00003; ESP Exome Variant Server 0.00008; ExAC 0.00001; gnomAD exomes 0.00001.
gnomAD v4.1: 25 of 1,590,776 alleles (0.0016%); highest among the groups gnomAD compares: Non-Finnish European, 0.0019%; no homozygotes.

Submissions (5):

Labcorp Genetics (formerly Invitae), Labcorp
Classification: Uncertain significance for Noonan syndrome 9. Last evaluated: 2026-01-04. Review status: criteria provided, single submitter. Criteria: Invitae Variant Classification Sherloc (09022015). Collection method: clinical testing. Allele origin: germline.
Comment: This sequence change replaces serine, which is neutral and polar, with glycine, which is neutral and non-polar, at codon 1135 of the SOS2 protein (p.Ser1135Gly). This variant is present in population databases (rs375478974, gnomAD 0.0008%). This variant has not been reported in the literature in individuals affected with SOS2-related conditions. ClinVar contains an entry for this variant (Variation ID: 579913). Invitae Evidence Modeling of protein sequence and biophysical properties (such as structural, functional, and spatial information, amino acid conservation, physicochemical variation, residue mobility, and thermodynamic stability) indicates that this missense variant is not expected to disrupt SOS2 protein function with a negative predictive value of 95%. In summary, the available evidence is currently insufficient to determine the role of this variant in disease. Therefore, it has been classified as a Variant of Uncertain Significance.

St. Jude Molecular Pathology, St. Jude Children's Research Hospital
Classification: Uncertain significance for Noonan syndrome 9. Last evaluated: 2025-06-17. Review status: criteria provided, single submitter. Criteria: St. Jude Assertion Criteria 2020. Collection method: clinical testing. Allele origin: germline.
Comment: The SOS2 c.3403A>G p.(Ser1135Gly) missense change is absent in gnomAD v2.1.1. This variant occurs in a gene where missense variants are a common mechanism of disease. The in silico tool REVEL is inconclusive about a pathogenic or benign effect of this variant on protein function, and to our knowledge functional studies have not been performed. To our knowledge, this variant has not been reported in individuals with Noonan syndrome. In summary, the evidence currently available is insufficient to determine the clinical significance of this variant. It has therefore been classified as of uncertain significance.

Ambry Genetics
Classification: Uncertain significance for Cardiovascular phenotype. Last evaluated: 2021-08-19. Review status: criteria provided, single submitter. Criteria: Ambry Variant Classification Scheme 2023. Collection method: clinical testing. Allele origin: germline.
Comment: The p.S1135G variant (also known as c.3403A>G), located in coding exon 22 of the SOS2 gene, results from an A to G substitution at nucleotide position 3403. The serine at codon 1135 is replaced by glycine, an amino acid with similar properties. This amino acid position is conserved. In addition, the in silico prediction for this alteration is inconclusive. Since supporting evidence is limited at this time, the clinical significance of this alteration remains unclear.

Blueprint Genetics
Classification: Uncertain significance. Last evaluated: 2020-11-03. Review status: criteria provided, single submitter. Criteria: ACMG Guidelines, 2015. Collection method: clinical testing. Allele origin: germline.

Genome-Nilou Lab
Classification: Uncertain significance for Noonan syndrome 9. Review status: criteria provided, single submitter. Criteria: ACMG Guidelines, 2015. Collection method: clinical testing. Allele origin: germline.

NM_006939.4(SOS2):c.3403A>G (p.Ser1135Gly)

Gene: SOS2 (SOS Ras/Rho guanine nucleotide exchange factor 2; minus strand). Cytogenetic location: 14q21.3.
Variant type: single nucleotide variant.
Coding change: c.3403A>G on transcript NM_006939.4 (MANE Select); coding-DNA position 3403, A replaced by G.
Protein change: p.Ser1135Gly; replaces serine 1135 with glycine.
Molecular consequence: missense variant.
Genome position (GRCh38, 1-based): chr14:50,120,361, T>C on the plus strand (A>G on the coding strand, the complement: SOS2 is on the minus strand). VCF-style: chr14-50120361-T-C. GRCh37 (hg19) VCF-style: chr14-50587079-T-C.
Other names: short protein forms S1135G.
Identifiers: ClinVar variation 579913 (VCV000579913.16), dbSNP rs375478974, ClinGen allele CA7176800.
Genomic context (GRCh38, chr14:50,120,361, plus strand): 5'-ACTTTTTTCGAGGAGGAAGAGGAGGAGGAATCAGGGGCTCTTCACTTAGTTTATGTAAAC[T>C]ACCACATGAACTAAAGAAAGACTCTGGGGGAGAAAAAGACTAGTTTAACCACAATTCACA-3'
Protein context (NP_008870.2, residues 1125-1145): HSKSFFSSCG[Ser1135Gly]LHKLSEEPLI